The following is an entry in ClinVar:

ClinVar aggregate classification (germline): Uncertain significance (1 of 4 stars; one submission).

Submission:

Labcorp Genetics (formerly Invitae), Labcorp
Classification: Uncertain significance. Last evaluated: 2025-06-16. Review status: criteria provided, single submitter. Criteria: Invitae Variant Classification Sherloc (09022015). Collection method: clinical testing. Allele origin: germline.
Comment: This sequence change replaces glutamine, which is neutral and polar, with serine, which is neutral and polar, at codon 132 of the THAP11 protein (p.Gln132Ser). Information on the frequency of this variant in the gnomAD database is not available, as this variant may be reported differently in the database. This variant has not been reported in the literature in individuals affected with THAP11-related conditions. Experimental studies and prediction algorithms are not available or were not evaluated, and the functional significance of this variant is currently unknown. In summary, the available evidence is currently insufficient to determine the role of this variant in disease. Therefore, it has been classified as a Variant of Uncertain Significance.

NM_020457.3(THAP11):c.394_395delinsTC (p.Gln132Ser)

Genes: CENPT (centromere protein T; minus strand), THAP11 (THAP domain containing 11; plus strand). Cytogenetic location: 16q22.1.
Variant type: Indel.
Coding change: c.394_395delinsTC on transcript NM_020457.3 (MANE Select); coding-DNA positions 394 to 395, CA replaced by TC.
Protein change: p.Gln132Ser; replaces glutamine 132 with serine.
Molecular consequence: missense variant. On other transcripts: intron variant (1).
Genome position (GRCh38, 1-based): chr16:67,842,948-67,842,949, CA replaced by TC. VCF-style: chr16-67842948-CA-TC. GRCh37 (hg19) VCF-style: chr16-67876851-CA-TC.
Other names: c.-492+4452_-492+4453delinsGA (NM_025082.4); short protein forms Q132S.
Identifiers: ClinVar variation 2170775 (VCV002170775.4), dbSNP rs2544291275, ClinGen allele CA2580091817.